The following is an entry in ClinVar:

ClinVar aggregate classification (germline): Pathogenic (1 of 4 stars; one submission).

Submission:

Labcorp Genetics (formerly Invitae), Labcorp
Classification: Pathogenic. Last evaluated: 2024-08-13. Review status: criteria provided, single submitter. Criteria: Invitae Variant Classification Sherloc (09022015). Collection method: clinical testing. Allele origin: germline.
Comment: This sequence change creates a premature translational stop signal (p.Leu167Ilefs*20) in the ASNS gene. It is expected to result in an absent or disrupted protein product. Loss-of-function variants in ASNS are known to be pathogenic (PMID: 27422383, 30057589). This variant is not present in population databases (gnomAD no frequency). This variant has not been reported in the literature in individuals affected with ASNS-related conditions. ClinVar contains an entry for this variant (Variation ID: 1408196). For these reasons, this variant has been classified as Pathogenic.

Literature cited by the submitters: PubMed 27422383; PubMed 30057589.

NM_001673.5(ASNS):c.498dup (p.Leu167fs)

Genes: ASNS (asparagine synthetase (glutamine-hydrolyzing); minus strand), CZ1P-ASNS (CZ1P-ASNS readthrough; minus strand). Cytogenetic location: 7q21.3.
Variant type: Duplication.
Coding change: c.498dup on transcript NM_001673.5 (MANE Select); coding-DNA position 498, one base duplicated (A; older notation c.498dupA).
Protein change: p.Leu167fs; shifts the reading frame from leucine 167.
Molecular consequence: frameshift variant. On other transcripts: non-coding transcript variant (1).
Genome position (GRCh38, 1-based): chr7:97,859,388, T duplicated on the plus strand (A on the coding strand, the reverse complement: ASNS is on the minus strand). VCF-style (leftmost placement, unchanged base first): chr7-97859387-A-AT. GRCh37 (hg19) VCF-style: chr7-97488699-A-AT.
Other names: c.435dup, p.Leu146fs (NM_001178075.2); c.249dup, p.Leu84fs (NM_001178076.2, NM_001178077.1); c.498dup, p.Leu167fs (NM_001352496.2, NM_133436.3, NM_183356.4); short protein forms L84fs, L146fs, L167fs.
Identifiers: ClinVar variation 1408196 (VCV001408196.6), dbSNP rs2115661145, ClinGen allele CA2573142487.